The following is an entry in ClinVar:

ClinVar aggregate classification (germline): Uncertain significance (1 of 4 stars; one submission).

Conditions:
Autosomal recessive polycystic kidney disease (ARPKD). Also called: AR polycystic kidney disease. Identifiers: Orphanet 731, Orphanet 8378, MedGen C0085548, MeSH D017044, MONDO:0009889.

Allele frequency attached by ClinVar (database versions not stated): gnomAD exomes 0.00001.
gnomAD v4.1: 11 of 1,613,980 alleles (0.00068%); highest among the groups gnomAD compares: Non-Finnish European, 0.00085%; no homozygotes.

Submission:

Labcorp Genetics (formerly Invitae), Labcorp
Classification: Uncertain significance for Autosomal recessive polycystic kidney disease. Last evaluated: 2020-11-17. Review status: criteria provided, single submitter. Criteria: Invitae Variant Classification Sherloc (09022015). Collection method: clinical testing. Allele origin: germline.
Comment: This sequence change replaces asparagine with tyrosine at codon 1060 of the PKHD1 protein (p.Asn1060Tyr). The asparagine residue is moderately conserved and there is a large physicochemical difference between asparagine and tyrosine. This variant is not present in population databases (ExAC no frequency). This variant has not been reported in the literature in individuals with PKHD1-related disease. Algorithms developed to predict the effect of missense changes on protein structure and function are either unavailable or do not agree on the potential impact of this missense change (SIFT: "Tolerated"; PolyPhen-2: "Possibly Damaging"; Align-GVGD: "Class C0"). In summary, the available evidence is currently insufficient to determine the role of this variant in disease. Therefore, it has been classified as a Variant of Uncertain Significance.

NM_138694.4(PKHD1):c.3178A>T (p.Asn1060Tyr)

Gene: PKHD1 (PKHD1 ciliary IPT domain containing fibrocystin/polyductin; minus strand). Cytogenetic location: 6p12.2.
Variant type: single nucleotide variant.
Coding change: c.3178A>T on transcript NM_138694.4 (MANE Select); coding-DNA position 3178, A replaced by T.
Protein change: p.Asn1060Tyr; replaces asparagine 1060 with tyrosine.
Molecular consequence: missense variant.
Genome position (GRCh38, 1-based): chr6:52,035,641, T>A on the plus strand (A>T on the coding strand, the complement: PKHD1 is on the minus strand). VCF-style: chr6-52035641-T-A. GRCh37 (hg19) VCF-style: chr6-51900439-T-A.
Other names: c.3178A>T, p.Asn1060Tyr (NM_170724.3); short protein forms N1060Y.
Identifiers: ClinVar variation 2153495 (VCV002153495.1), dbSNP rs1803821253, ClinGen allele CA364441727.